The following is an entry in ClinVar:

NM_001031710.3(KLHL7):c.794-5T>C

Gene: KLHL7 (kelch like family member 7; plus strand). Cytogenetic location: 7p15.3.
Variant type: single nucleotide variant.
Coding change: c.794-5T>C on transcript NM_001031710.3 (MANE Select); 5 bases into the intron before coding-DNA position 794, T replaced by C.
Molecular consequence: intron variant.
Genome position (GRCh38, 1-based): chr7:23,152,062, T>C. VCF-style: chr7-23152062-T-C. GRCh37 (hg19) VCF-style: chr7-23191681-T-C.
Other names: c.650-5T>C (NM_018846.5); c.794-5T>C (NM_001031710.2).
Identifiers: ClinVar variation 1086333 (VCV001086333.11), dbSNP rs371929151, ClinGen allele CA4186490.

ClinVar aggregate classification (germline): Likely benign. Review status: criteria provided, multiple submitters, no conflicts (2 of 4 stars). 3 submissions from 3 submitters: Likely benign (3). Last evaluated 2025-08-01.

Conditions:
KLHL7-related disorder. Also called: KLHL7-related condition; KLHL7-related disorders.

Allele frequency attached by ClinVar (database versions not stated): gnomAD 0.00001; gnomAD exomes 0.00002 and 0.00006; ExAC 0.00003; TOPMed 0.00003; ESP Exome Variant Server 0.00008.
gnomAD v4.1: 34 of 1,613,694 alleles (0.0021%); highest among the groups gnomAD compares: Admixed American, 0.017%; no homozygotes.

Submissions (3):

PreventionGenetics, part of Exact Sciences
Classification: Likely benign for KLHL7-related condition. Last evaluated: 2025-08-01. Review status: criteria provided, single submitter. Criteria: ACMG Guidelines, 2015. Collection method: clinical testing. Allele origin: germline.
Comment: This variant is classified as likely benign based on ACMG/AMP sequence variant interpretation guidelines (Richards et al. 2015 PMID: 25741868, with internal and published modifications).

Labcorp Genetics (formerly Invitae), Labcorp
Classification: Likely benign. Last evaluated: 2025-05-25. Review status: criteria provided, single submitter. Criteria: Invitae Variant Classification Sherloc (09022015). Collection method: clinical testing. Allele origin: germline.

Blueprint Genetics
Classification: Likely benign. Last evaluated: 2021-10-15. Review status: criteria provided, single submitter. Criteria: ACMG Guidelines, 2015. Collection method: clinical testing. Allele origin: germline.